The following is an entry in ClinVar:

ClinVar aggregate classification (germline): Pathogenic (1 of 4 stars; one submission).

Submission:

Labcorp Genetics (formerly Invitae), Labcorp
Classification: Pathogenic. Last evaluated: 2019-12-07. Review status: criteria provided, single submitter. Criteria: Invitae Variant Classification Sherloc (09022015). Collection method: clinical testing. Allele origin: germline.
Comment: For these reasons, this variant has been classified as Pathogenic. Loss-of-function variants in CFI are known to be pathogenic (PMID: 19065647, 22710145). This variant has not been reported in the literature in individuals with CFI-related conditions. This variant is an out-of-frame deletion of the genomic region encompassing exon 2 of the CFI gene. This is expected to create a premature translational stop signal and result in an absent or disrupted protein product.

Literature cited by the submitters: PubMed 19065647; PubMed 22710145.

NC_000004.12:g.(?_109766554)_(109766824_?)del

Gene: CFI (complement factor I; minus strand). Cytogenetic location: 4q25.
Variant type: Deletion.
Identifiers: ClinVar variation 832456 (VCV000832456.3).